The following is an entry in ClinVar:

ClinVar aggregate classification (germline): Uncertain significance (1 of 4 stars; one submission).

Submission:

CeGaT Center for Human Genetics Tuebingen
Classification: Uncertain significance. Last evaluated: 2026-03-01. Review status: criteria provided, single submitter. Criteria: CeGaT Center For Human Genetics Tuebingen Variant Classification Criteria Version 2. Collection method: clinical testing. Allele origin: germline. Affected: yes. Observed: 1 variant allele.
Comment: PAK1: PM2

NM_002576.5(PAK1):c.190+6G>A

Gene: PAK1 (p21 (RAC1) activated kinase 1; minus strand). Cytogenetic location: 11q13.5.
Variant type: single nucleotide variant.
Coding change: c.190+6G>A on transcript NM_002576.5 (MANE Select); 6 bases into the intron after coding-DNA position 190, G replaced by A.
Molecular consequence: intron variant.
Genome position (GRCh38, 1-based): chr11:77,392,325, C>T on the plus strand (G>A on the coding strand, the complement: PAK1 is on the minus strand). VCF-style: chr11-77392325-C-T. GRCh37 (hg19) VCF-style: chr11-77103370-C-T.
Other names: c.-3-12937G>A (NM_001376304.1); c.190+6G>A (NM_001376273.1, NM_001376268.1, NM_001376301.1 and 28 more transcripts); c.-104-12331G>A (NM_001376305.1, NM_001376302.1).
Identifiers: ClinVar variation 4821977 (VCV004821977.4).